The following is an entry in ClinVar:

NM_002691.4(POLD1):c.1633T>C (p.Tyr545His)

Gene: POLD1 (DNA polymerase delta 1, catalytic subunit; plus strand). Cytogenetic location: 19q13.33.
Variant type: single nucleotide variant.
Coding change: c.1633T>C on transcript NM_002691.4 (MANE Select); coding-DNA position 1633, T replaced by C.
Protein change: p.Tyr545His; replaces tyrosine 545 with histidine.
Molecular consequence: missense variant. On other transcripts: non-coding transcript variant (1).
Genome position (GRCh38, 1-based): chr19:50,407,121, T>C. VCF-style: chr19-50407121-T-C. GRCh37 (hg19) VCF-style: chr19-50910378-T-C.
Other names: c.1633T>C, p.Tyr545His (NM_001256849.1, NM_001308632.1); short protein forms Y545H.
Identifiers: ClinVar variation 2786624 (VCV002786624.3), dbSNP rs2514000697, ClinGen allele CA406981015.

ClinVar aggregate classification (germline): Uncertain significance (1 of 4 stars; one submission).

Conditions:
POLD1-related polyposis and colorectal cancer syndrome (CRCS10). Also called: Colorectal cancer 10; Colorectal cancer, susceptibility to, 10; COLORECTAL CANCER, SUSCEPTIBILITY TO, ON CHROMOSOME 19q. Identifiers: Orphanet 220460, MedGen C2675481, MONDO:0012953, OMIM 612591.

Submission:

Labcorp Genetics (formerly Invitae), Labcorp
Classification: Uncertain significance for POLD1-related polyposis and colorectal cancer syndrome. Last evaluated: 2024-01-29. Review status: criteria provided, single submitter. Criteria: Invitae Variant Classification Sherloc (09022015). Collection method: clinical testing. Allele origin: germline.
Comment: This sequence change replaces tyrosine, which is neutral and polar, with histidine, which is basic and polar, at codon 545 of the POLD1 protein (p.Tyr545His). This variant is not present in population databases (gnomAD no frequency). This variant has not been reported in the literature in individuals affected with POLD1-related conditions. Advanced modeling of protein sequence and biophysical properties (such as structural, functional, and spatial information, amino acid conservation, physicochemical variation, residue mobility, and thermodynamic stability) performed at Invitae indicates that this missense variant is expected to disrupt POLD1 protein function with a positive predictive value of 80%. In summary, the available evidence is currently insufficient to determine the role of this variant in disease. Therefore, it has been classified as a Variant of Uncertain Significance.